The following is an entry in ClinVar:

ClinVar aggregate classification (germline): Uncertain significance (1 of 4 stars; one submission).

gnomAD v4.1: 18 of 1,614,218 alleles (0.0011%); highest among the groups gnomAD compares: Admixed American, 0.005%; no homozygotes.

Submission:

Labcorp Genetics (formerly Invitae), Labcorp
Classification: Uncertain significance. Last evaluated: 2024-09-29. Review status: criteria provided, single submitter. Criteria: Invitae Variant Classification Sherloc (09022015). Collection method: clinical testing. Allele origin: germline.
Comment: This sequence change replaces arginine, which is basic and polar, with tryptophan, which is neutral and slightly polar, at codon 437 of the NFE2L2 protein (p.Arg437Trp). This variant is present in population databases (rs184287392, gnomAD 0.009%). This variant has not been reported in the literature in individuals affected with NFE2L2-related conditions. Invitae Evidence Modeling of protein sequence and biophysical properties (such as structural, functional, and spatial information, amino acid conservation, physicochemical variation, residue mobility, and thermodynamic stability) indicates that this missense variant is not expected to disrupt NFE2L2 protein function with a negative predictive value of 80%. In summary, the available evidence is currently insufficient to determine the role of this variant in disease. Therefore, it has been classified as a Variant of Uncertain Significance.

NM_006164.5(NFE2L2):c.1309C>T (p.Arg437Trp)

Gene: NFE2L2 (NFE2 like bZIP transcription factor 2; minus strand). Cytogenetic location: 2q31.2.
Variant type: single nucleotide variant.
Coding change: c.1309C>T on transcript NM_006164.5 (MANE Select); coding-DNA position 1309, C replaced by T.
Protein change: p.Arg437Trp; replaces arginine 437 with tryptophan.
Molecular consequence: missense variant.
Genome position (GRCh38, 1-based): chr2:177,231,294, G>A on the plus strand (C>T on the coding strand, the complement: NFE2L2 is on the minus strand). VCF-style: chr2-177231294-G-A. GRCh37 (hg19) VCF-style: chr2-178096022-G-A.
Other names: c.1261C>T, p.Arg421Trp (NM_001145412.3, NM_001313900.1, NM_001313901.1); c.1240C>T, p.Arg414Trp (NM_001145413.3); c.1219C>T, p.Arg407Trp (NM_001313902.2); c.1090C>T, p.Arg364Trp (NM_001313903.2); c.1009C>T, p.Arg337Trp (NM_001313904.1); short protein forms R337W, R364W, R407W, R414W, R421W, R437W.
Identifiers: ClinVar variation 3608805 (VCV003608805.2).